The following is an entry in ClinVar:

NM_000459.5(TEK):c.3314_3317delinsTGAGAAGTTTACTTATGCAGGAATTAT (p.Thr1105fs)

Gene: TEK (TEK receptor tyrosine kinase; plus strand). Cytogenetic location: 9p21.2.
Variant type: Indel.
Coding change: c.3314_3317delinsTGAGAAGTTTACTTATGCAGGAATTAT on transcript NM_000459.5 (MANE Select); coding-DNA positions 3314 to 3317, CCAC replaced by TGAGAAGTTTACTTATGCAGGAATTAT.
Protein change: p.Thr1105fs; shifts the reading frame from threonine 1105.
Molecular consequence: frameshift variant.
Genome position (GRCh38, 1-based): chr9:27,229,171-27,229,174, CCAC replaced by TGAGAAGTTTACTTATGCAGGAATTAT. VCF-style: chr9-27229171-CCAC-TGAGAAGTTTACTTATGCAGGAATTAT. GRCh37 (hg19) VCF-style: chr9-27229169-CCAC-TGAGAAGTTTACTTATGCAGGAATTAT.
Other names: c.3185_3188delinsTGAGAAGTTTACTTATGCAGGAATTAT, p.Thr1062fs (NM_001290077.2); c.2870_2873delinsTGAGAAGTTTACTTATGCAGGAATTAT, p.Thr957fs (NM_001290078.2); c.3311_3314delinsTGAGAAGTTTACTTATGCAGGAATTAT, p.Thr1104fs (NM_001375475.1); c.3182_3185delinsTGAGAAGTTTACTTATGCAGGAATTAT, p.Thr1061fs (NM_001375476.1); short protein forms T1061fs, T1062fs, T1104fs, T1105fs, T957fs.
Identifiers: ClinVar variation 3774490 (VCV003774490.1).

ClinVar aggregate classification (germline): Likely pathogenic (1 of 4 stars; one submission).

Conditions:
Arteriovenous malformation. Also called: AVM. Identifiers: MedGen C0003857, MeSH D001165, HP:0100026.

Submission:

Clinical Genomics Laboratory, Washington University in St. Louis
Classification: Likely pathogenic for Arteriovenous malformation. Last evaluated: 2024-10-31. Review status: criteria provided, single submitter. Criteria: Leon-Quintero et al. (Clin Genet. 2025). Collection method: clinical testing. Allele origin: somatic. Affected: yes.
Comment: A TEK c.3314_3317delinsTGAGAAGTTTACTTATGCAGGAATTAT (p.Thr1105Metfs*47) variant was identified at an allelic fraction consistent with somatic origin. Due to the nature of this complex variant involving both a deletion and insertion event, estimation of the variant allele fraction is difficult, but is likely less than 10%. This variant, to our knowledge, has not been reported in the medical literature. This variant resides within a region, the C terminus, of TEK that is defined as a critical functional domain where several other frameshift and nonsense variants have been reported as pathogenic in affected patients (Revencu N et al., PMID: 38778413, Soblet J et al., PMID: 23801934; Soblet J et al., PMID: 27519652; Bell LM et al., PMID: 34254124; Hirose K et al., PMID: 38367816). It is absent from the general population (gnomAD v.4.1.0), indicating it is not a common variant.Based on available information and an internally developed protocol informed by the ACMG/AMP guidelines for variant interpretation and gene-specific practices from the ClinGen Criteria Specification Registry (Leon-Quintero FZ et al., PMID: 39434542), the TEK c.3314_3317delinsTGAGAAGTTTACTTATGCAGGAATTAT (p.Thr1105Metfs*47) variant is classified as likely pathogenic.